The following is an entry in ClinVar:

NM_182914.3(SYNE2):c.9285del (p.Lys3095fs)

Gene: SYNE2 (spectrin repeat containing nuclear envelope protein 2; plus strand). Cytogenetic location: 14q23.2.
Variant type: Deletion.
Coding change: c.9285del on transcript NM_182914.3 (MANE Select); coding-DNA position 9285, one base deleted (G; older notation c.9285delG).
Protein change: p.Lys3095fs; shifts the reading frame from lysine 3095.
Molecular consequence: frameshift variant.
Genome position (GRCh38, 1-based): chr14:64,053,198, G deleted. VCF-style (leftmost placement, unchanged base first): chr14-64053197-AG-A. GRCh37 (hg19) VCF-style: chr14-64519915-AG-A.
Other names: c.9285del, p.Lys3095fs (NM_015180.6); short protein forms K3095fs.
Identifiers: ClinVar variation 4687900 (VCV004687900.1).
Genomic context (GRCh38, chr14:64,053,197, plus strand): 5'-GCTCTCCGGAAAGCAGACGGCTCAATGCCCAAATTTTAAGTCAGAGAATTGAGAAAGCCA[AG>A]TGTTTATGTGATGAGATAATAAAGAAATTAAATGAAAATAAGACCTTTGATGACTCATTC-3'

ClinVar aggregate classification (germline): Likely pathogenic (1 of 4 stars; one submission).

Conditions:
Emery-Dreifuss muscular dystrophy 5, autosomal dominant (EDMD5). Also called: EMERY-DREIFUSS MUSCULAR DYSTROPHY 5. Identifiers: Orphanet 261, MedGen C2751805, MONDO:0013072, OMIM 612999.

Submission:

Human Genetics Bochum, Ruhr University Bochum
Classification: Likely pathogenic for Emery-Dreifuss muscular dystrophy 5, autosomal dominant. Last evaluated: 2025-03-03. Review status: criteria provided, single submitter. Criteria: ACMG Guidelines, 2015. Collection method: clinical testing. Allele origin: germline. Affected: yes.
Comment: ACMG criteria used to clasify this variant: PVS1, PM2_SUP